The following is an entry in ClinVar:

ClinVar aggregate classification (germline): Pathogenic (1 of 4 stars; one submission).

Conditions:
Hereditary spastic paraplegia 4. Also called: Spastic Paraplegia 4; Spastic paraplegia 4, autosomal dominant; Familial spastic paraplegia autosomal dominant 2. Identifiers: Orphanet 100985, MedGen C1866855, MONDO:0008438, OMIM 182601.

Submission:

Laboratory of Medical Genetics, National & Kapodistrian University of Athens
Classification: Pathogenic for Hereditary spastic paraplegia 4. Last evaluated: 2023-10-16. Review status: criteria provided, single submitter. Criteria: ACMG Guidelines, 2015. Collection method: clinical testing. Allele origin: germline. Affected: yes.
Comment: PVS1, PM2, PP5 - The variant is expected to result in an absent or disrupted protein product. Low frequency in gnomAD population databases.

NM_014946.4(SPAST):c.1443dup (p.Val482fs)

Gene: SPAST (spastin; plus strand). Cytogenetic location: 2p22.3.
Variant type: Duplication.
Coding change: c.1443dup on transcript NM_014946.4 (MANE Select); coding-DNA position 1443, one base duplicated (T; older notation c.1443dupT).
Protein change: p.Val482fs; shifts the reading frame from valine 482.
Molecular consequence: frameshift variant.
Genome position (GRCh38, 1-based): chr2:32,137,138, T duplicated; the last of 2 consecutive T bases (chr2:32,137,137-32,137,138); duplicating either gives the same sequence. VCF-style (leftmost placement, unchanged base first): chr2-32137136-C-CT. GRCh37 (hg19) VCF-style: chr2-32362205-C-CT.
Other names: c.1440dup, p.Val481fs (NM_001363823.2); c.1344dup, p.Val449fs (NM_001363875.2); c.1347dup, p.Val450fs (NM_001377959.1, NM_199436.2); short protein forms V449fs, V450fs, V481fs, V482fs.
Identifiers: ClinVar variation 3256565 (VCV003256565.1).